The following is an entry in ClinVar:

NM_001457.4(FLNB):c.4066G>A (p.Ala1356Thr)

Gene: FLNB (filamin B; plus strand). Cytogenetic location: 3p14.3.
Variant type: single nucleotide variant.
Coding change: c.4066G>A on transcript NM_001457.4 (MANE Select); coding-DNA position 4066, G replaced by A.
Protein change: p.Ala1356Thr; replaces alanine 1356 with threonine.
Molecular consequence: missense variant.
Genome position (GRCh38, 1-based): chr3:58,126,606, G>A. VCF-style: chr3-58126606-G-A. GRCh37 (hg19) VCF-style: chr3-58112333-G-A.
Other names: c.4066G>A, p.Ala1356Thr (NM_001164317.2, NM_001164318.2, NM_001164319.2); short protein forms A1356T.
Identifiers: ClinVar variation 392384 (VCV000392384.8), dbSNP rs764743602, ClinGen allele CA2468652.
Genomic context (GRCh38, chr3:58,126,606, plus strand): 5'-AGCAGACCAGCATAAATAAATGGTGCACATTTCACTTTCTTTTCCACTCTTTCCAGAGGC[G>A]CAGGAATTGGTGGGCTTGGCATAACTGTTGAGGGACCATCAGAGTCGAAGATAAATTGCA-3'
Protein context (NP_001448.2, residues 1346-1366): PNVFTVVTRG[Ala1356Thr]GIGGLGITVE

ClinVar aggregate classification (germline): Conflicting classifications of pathogenicity. Review status: criteria provided, conflicting classifications (1 of 4 stars). 3 submissions from 3 submitters: Uncertain significance (2); Likely benign (1). Last evaluated 2025-03-18.

Conditions:
Spondylocarpotarsal synostosis syndrome (SCT). Also called: Spondylocarpotarsal Synostosis Syndrome (FLNB-SCT); SPONDYLOCARPOTARSAL SYNDROME; VERTEBRAL FUSION WITH CARPAL COALITION; Synspondylism congenital; Scoliosis, congenital with unilateral unsegmented bar. Identifiers: Orphanet 3275, MedGen C1848934, MONDO:0010094, OMIM 272460.

Allele frequency attached by ClinVar (database versions not stated): TOPMed 0.00002; gnomAD exomes 0.00005.
gnomAD v4.1: 83 of 1,613,692 alleles (0.0051%); highest among the groups gnomAD compares: South Asian, 0.0066%; no homozygotes.

Submissions (3):

Labcorp Genetics (formerly Invitae), Labcorp
Classification: Uncertain significance. Last evaluated: 2025-03-18. Review status: criteria provided, single submitter. Criteria: Invitae Variant Classification Sherloc (09022015). Collection method: clinical testing. Allele origin: germline.
Comment: This sequence change replaces alanine, which is neutral and non-polar, with threonine, which is neutral and polar, at codon 1356 of the FLNB protein (p.Ala1356Thr). This variant is present in population databases (rs764743602, gnomAD 0.006%). This variant has not been reported in the literature in individuals affected with FLNB-related conditions. ClinVar contains an entry for this variant (Variation ID: 392384). Invitae Evidence Modeling of protein sequence and biophysical properties (such as structural, functional, and spatial information, amino acid conservation, physicochemical variation, residue mobility, and thermodynamic stability) indicates that this missense variant is not expected to disrupt FLNB protein function with a negative predictive value of 95%. In summary, the available evidence is currently insufficient to determine the role of this variant in disease. Therefore, it has been classified as a Variant of Uncertain Significance.

3billion
Classification: Likely benign for Spondylocarpotarsal synostosis syndrome. Last evaluated: 2024-09-20. Review status: criteria provided, single submitter. Criteria: ACMG Guidelines, 2015. Collection method: clinical testing. Allele origin: germline. Affected: no.
Comment: The homozygous variant was found in patients diagnosed with another variant in a different gene, with no symptoms related to the gene containing the homozygous variant.

GeneDx
Classification: Uncertain significance. Last evaluated: 2016-12-27. Review status: criteria provided, single submitter. Criteria: GeneDx Variant Classification (06012015). Collection method: clinical testing. Allele origin: germline. Affected: yes.
Comment: The A1356T variant has not been published as a pathogenic variant, nor has it been reported as a benign variant to our knowledge. The A1356T variant was not observed in approximately 6500 individuals of European and African American ancestry in the NHLBI Exome Sequencing Project, indicating it is not a common benign variant in these populations. The A1356T variant is a non-conservative amino acid substitution, which is likely to impact secondary protein structure as these residues differ in polarity, charge, size and/or other properties. This substitution occurs at a position that is conserved across species. In silico analysis predicts this variant is damaging to the protein structure/function. Therefore, based on the currently available information, it is unclear whether this variant is a pathogenic variant or a rare benign variant.